The following is an entry in ClinVar:

ClinVar aggregate classification (germline): Uncertain significance (1 of 4 stars; one submission).

Conditions:
Hereditary cancer-predisposing syndrome. Also called: Neoplastic Syndromes, Hereditary; Tumor predisposition; Hereditary neoplastic syndrome; Hereditary Cancer Syndrome. Identifiers: Orphanet 140162, MedGen C0027672, MeSH D009386, MONDO:0015356.

Submission:

Ambry Genetics
Classification: Uncertain significance for Hereditary cancer-predisposing syndrome. Last evaluated: 2025-04-11. Review status: criteria provided, single submitter. Criteria: Ambry Variant Classification Scheme 2023. Collection method: clinical testing. Allele origin: germline.
Comment: The p.K578E variant (also known as c.1732A>G), located in coding exon 11 of the BRIP1 gene, results from an A to G substitution at nucleotide position 1732. The lysine at codon 578 is replaced by glutamic acid, an amino acid with similar properties. This amino acid position is conserved. In addition, this alteration is predicted to be tolerated by in silico analysis. Since supporting evidence is limited at this time, the clinical significance of this alteration remains unclear.

NM_032043.3(BRIP1):c.1732A>G (p.Lys578Glu)

Gene: BRIP1 (BRCA1 interacting DNA helicase 1; minus strand). Cytogenetic location: 17q23.2.
Variant type: single nucleotide variant.
Coding change: c.1732A>G on transcript NM_032043.3 (MANE Select); coding-DNA position 1732, A replaced by G.
Protein change: p.Lys578Glu; replaces lysine 578 with glutamic acid.
Molecular consequence: missense variant.
Genome position (GRCh38, 1-based): chr17:61,780,902, T>C on the plus strand (A>G on the coding strand, the complement: BRIP1 is on the minus strand). VCF-style: chr17-61780902-T-C. GRCh37 (hg19) VCF-style: chr17-59858263-T-C.
Other names: short protein forms K578E.
Identifiers: ClinVar variation 2449926 (VCV002449926.3), dbSNP rs2545028596, ClinGen allele CA400480365.